The following is an entry in ClinVar:

NM_001164508.2(NEB):c.1998+5G>A

Gene: NEB (nebulin; minus strand). Cytogenetic location: 2q23.3.
Variant type: single nucleotide variant.
Coding change: c.1998+5G>A on transcript NM_001164508.2 (MANE Select); 5 bases into the intron after coding-DNA position 1998, G replaced by A.
Molecular consequence: intron variant.
Genome position (GRCh38, 1-based): chr2:151,692,256, C>T on the plus strand (G>A on the coding strand, the complement: NEB is on the minus strand). VCF-style: chr2-151692256-C-T. GRCh37 (hg19) VCF-style: chr2-152548770-C-T.
Other names: c.1998+5G>A (NM_004543.5, NM_001164507.2, NM_001271208.2).
Identifiers: ClinVar variation 1059484 (VCV001059484.7), dbSNP rs1015618560, ClinGen allele CA57670495.

ClinVar aggregate classification (germline): Uncertain significance. Review status: criteria provided, multiple submitters, no conflicts (2 of 4 stars). 3 submissions from 3 submitters: Uncertain significance (2). 1 of the submissions does not count toward it. Last evaluated 2025-11-27.

Conditions:
Nemaline myopathy 2 (NEM2). Also called: Nemaline myopathy 2, autosomal recessive. Identifiers: MedGen C1850569, MONDO:0009725, OMIM 256030.

Allele frequency attached by ClinVar (database versions not stated): TOPMed below 0.00001; gnomAD exomes 0.00001.
gnomAD v4.1: 4 of 1,613,258 alleles (0.00025%); highest among the groups gnomAD compares: Admixed American, 0.0017%; no homozygotes.

Submissions (3):

Women's Health and Genetics/Laboratory Corporation of America, LabCorp
Classification: Uncertain significance. Last evaluated: 2025-11-27. Review status: criteria provided, single submitter. Criteria: LabCorp Variant Classification Summary - May 2015. Collection method: clinical testing. Allele origin: germline.

Labcorp Genetics (formerly Invitae), Labcorp
Classification: Uncertain significance for Nemaline myopathy 2. Last evaluated: 2022-08-23. Review status: criteria provided, single submitter. Criteria: Invitae Variant Classification Sherloc (09022015). Collection method: clinical testing. Allele origin: germline.
Comment: This sequence change falls in intron 21 of the NEB gene. It does not directly change the encoded amino acid sequence of the NEB protein. It affects a nucleotide within the consensus splice site. This variant is present in population databases (no rsID available, gnomAD 0.003%). This variant has not been reported in the literature in individuals affected with NEB-related conditions. ClinVar contains an entry for this variant (Variation ID: 1059484). Variants that disrupt the consensus splice site are a relatively common cause of aberrant splicing (PMID: 17576681, 9536098). Algorithms developed to predict the effect of sequence changes on RNA splicing suggest that this variant may disrupt the consensus splice site. In summary, the available evidence is currently insufficient to determine the role of this variant in disease. Therefore, it has been classified as a Variant of Uncertain Significance.

Natera, Inc.
Classification: Uncertain significance for Nemaline myopathy type 2. Last evaluated: 2021-02-22. Review status: no assertion criteria provided. Collection method: clinical testing. Allele origin: germline. Not counted in ClinVar's aggregate classification.

Literature cited by the submitters: PubMed 17576681 (cited by Labcorp Genetics (formerly Invitae), Labcorp); PubMed 9536098 (cited by Labcorp Genetics (formerly Invitae), Labcorp).